The following is an entry in ClinVar:

NM_031272.5(TEX14):c.765C>T (p.Thr255=)

Gene: TEX14 (testis expressed 14, intercellular bridge forming factor; minus strand). Cytogenetic location: 17q22.
Variant type: single nucleotide variant.
Coding change: c.765C>T on transcript NM_031272.5 (MANE Select); coding-DNA position 765, C replaced by T.
Protein change: p.Thr255=; no amino-acid change (threonine 255 retained).
Molecular consequence: synonymous variant.
Genome position (GRCh38, 1-based): chr17:58,616,177, G>A on the plus strand (C>T on the coding strand, the complement: TEX14 is on the minus strand). VCF-style: chr17-58616177-G-A. GRCh37 (hg19) VCF-style: chr17-56693538-G-A.
Other names: c.783C>T, p.Thr261= (NM_001201457.2); c.765C>T, p.Thr255= (NM_198393.4).
Identifiers: ClinVar variation 4981814 (VCV004981814.1).
Genomic context (GRCh38, chr17:58,616,177, plus strand): 5'-GCAGCCCACTCTTCCCCTGAAACTGAATCAGACCTCAAACTGGCCAGCCCCCACTTACTT[G>A]GTCATGACCATGTAGGGGCCGCTGAAGAAAGAGAAGGTGGGCTCATCATCAGCTTGAATC-3'
Protein context (NP_112562.3, residues 245-265): SFFSGPYMVM[Thr255=]NLVWNGSRVT

ClinVar aggregate classification (germline): Benign (1 of 4 stars; one submission).

Conditions:
TEX14-related disorder. Also called: TEX14-related condition.

gnomAD v4.1: 3,020 of 1,612,254 alleles (0.19%); highest among the groups gnomAD compares: African/African-American, 3.3%; 47 homozygotes.

Submission:

PreventionGenetics, part of Exact Sciences
Classification: Benign for TEX14-related condition. Last evaluated: 2024-12-02. Review status: criteria provided, single submitter. Criteria: ACMG Guidelines, 2015. Collection method: clinical testing. Allele origin: germline.
Comment: This variant is classified as benign based on ACMG/AMP sequence variant interpretation guidelines (Richards et al. 2015 PMID: 25741868, with internal and published modifications).